The following is an entry in ClinVar:

NM_001174150.2(ARL13B):c.938A>C (p.Glu313Ala)

Gene: ARL13B (ARF like GTPase 13B; plus strand). Cytogenetic location: 3q11.2.
Variant type: single nucleotide variant.
Coding change: c.938A>C on transcript NM_001174150.2 (MANE Select); coding-DNA position 938, A replaced by C.
Protein change: p.Glu313Ala; replaces glutamic acid 313 with alanine.
Molecular consequence: missense variant. On other transcripts: non-coding transcript variant (2).
Genome position (GRCh38, 1-based): chr3:94,043,154, A>C. VCF-style: chr3-94043154-A-C. GRCh37 (hg19) VCF-style: chr3-93761998-A-C.
Other names: c.629A>C, p.Glu210Ala (NM_001174151.2); c.893A>C, p.Glu298Ala (NM_001321328.2); c.617A>C, p.Glu206Ala (NM_144996.4); c.938A>C, p.Glu313Ala (NM_182896.3); short protein forms E298A, E206A, E210A, E313A.
Identifiers: ClinVar variation 858066 (VCV000858066.6), dbSNP rs1453508206, ClinGen allele CA353679127.

ClinVar aggregate classification (germline): Uncertain significance (1 of 4 stars; one submission).

Conditions:
Joubert syndrome 8 (JBTS8). Identifiers: Orphanet 475, MedGen C2676771, MONDO:0012855, OMIM 612291.

Allele frequency attached by ClinVar (database versions not stated): gnomAD 0.00001.

Submission:

Labcorp Genetics (formerly Invitae), Labcorp
Classification: Uncertain significance for Joubert syndrome 8. Last evaluated: 2019-11-27. Review status: criteria provided, single submitter. Criteria: Invitae Variant Classification Sherloc (09022015). Collection method: clinical testing. Allele origin: germline.
Comment: This variant has not been reported in the literature in individuals with ARL13B-related conditions. This variant is not present in population databases (ExAC no frequency). This sequence change replaces glutamic acid with alanine at codon 313 of the ARL13B protein (p.Glu313Ala). The glutamic acid residue is moderately conserved and there is a moderate physicochemical difference between glutamic acid and alanine. Algorithms developed to predict the effect of missense changes on protein structure and function (SIFT, PolyPhen-2, Align-GVGD) all suggest that this variant is likely to be tolerated, but these predictions have not been confirmed by published functional studies and their clinical significance is uncertain. In summary, the available evidence is currently insufficient to determine the role of this variant in disease. Therefore, it has been classified as a Variant of Uncertain Significance.